The following is an entry in ClinVar:

NM_000059.4(BRCA2):c.9851G>T (p.Ser3284Ile)

Gene: BRCA2 (BRCA2 DNA repair associated; plus strand). Cytogenetic location: 13q13.1.
Variant type: single nucleotide variant.
Coding change: c.9851G>T on transcript NM_000059.4 (MANE Select); coding-DNA position 9851, G replaced by T.
Protein change: p.Ser3284Ile; replaces serine 3284 with isoleucine.
Molecular consequence: missense variant.
Genome position (GRCh38, 1-based): chr13:32,398,364, G>T. VCF-style: chr13-32398364-G-T. GRCh37 (hg19) VCF-style: chr13-32972501-G-T.
Other names: short protein forms S3284I.
Identifiers: ClinVar variation 1390879 (VCV001390879.6), dbSNP rs2137664419, ClinGen allele CA387766482.

ClinVar aggregate classification (germline): Uncertain significance (1 of 4 stars; one submission).

Conditions:
Hereditary breast ovarian cancer syndrome. Also called: Hereditary breast and ovarian cancer syndrome; Hereditary breast and ovarian cancer; BRCA1- and BRCA2-Associated Hereditary Breast and Ovarian Cancer; Hereditary breast and/or ovarian cancer syndrome; Hereditary breast and ovarian cancer syndrome (HBOC); Breast and ovarian cancer. Identifiers: Orphanet 145, MedGen C0677776, MeSH D061325, MONDO:0003582. Disease mechanism: loss of function.

Submission:

Labcorp Genetics (formerly Invitae), Labcorp
Classification: Uncertain significance for Hereditary breast ovarian cancer syndrome. Last evaluated: 2021-11-02. Review status: criteria provided, single submitter. Criteria: Invitae Variant Classification Sherloc (09022015). Collection method: clinical testing. Allele origin: germline.
Comment: Advanced modeling of protein sequence and biophysical properties (such as structural, functional, and spatial information, amino acid conservation, physicochemical variation, residue mobility, and thermodynamic stability) performed at Invitae indicates that this missense variant is not expected to disrupt BRCA2 protein function. In summary, the available evidence is currently insufficient to determine the role of this variant in disease. Therefore, it has been classified as a Variant of Uncertain Significance. This variant has not been reported in the literature in individuals affected with BRCA2-related conditions. This variant is not present in population databases (gnomAD no frequency). This sequence change replaces serine, which is neutral and polar, with isoleucine, which is neutral and non-polar, at codon 3284 of the BRCA2 protein (p.Ser3284Ile).